The following is an entry in ClinVar:

NM_004387.4(NKX2-5):c.552C>G (p.Ile184Met)

Gene: NKX2-5 (NK2 homeobox 5; minus strand). Cytogenetic location: 5q35.1.
Variant type: single nucleotide variant.
Coding change: c.552C>G on transcript NM_004387.4 (MANE Select); coding-DNA position 552, C replaced by G.
Protein change: p.Ile184Met; replaces isoleucine 184 with methionine.
Molecular consequence: missense variant. On other transcripts: 3 prime UTR variant (2).
Genome position (GRCh38, 1-based): chr5:173,232,992, G>C on the plus strand (C>G on the coding strand, the complement: NKX2-5 is on the minus strand). VCF-style: chr5-173232992-G-C. GRCh37 (hg19) VCF-style: chr5-172659995-G-C.
Other names: c.*505C>G (NM_001166175.2); c.*351C>G (NM_001166176.2); short protein forms I184M.
Identifiers: ClinVar variation 4531981 (VCV004531981.1).
Genomic context (GRCh38, chr5:173,232,992, plus strand): 5'-CAGCTCCAGAGTCTGGTCCTGCCGCTGCCGCTTGCACTTGTAGCGCCGGTTCTGGAACCA[G>C]ATCTTGACCTGCGTGGACGTGAGTTTCAGCACGCTGGCCAGCTGGTCGCGTTCGGGGGCC-3'
Protein context (NP_004378.1, residues 174-194): VLKLTSTQVK[Ile184Met]WFQNRRYKCK

ClinVar aggregate classification (germline): Likely pathogenic (1 of 4 stars; one submission).

Conditions:
NKX2.5-related congenital, conduction and myopathic heart disease. Identifiers: MedGen CN372093, MONDO:0800441.

Submission:

Victorian Clinical Genetics Services, Murdoch Childrens Research Institute
Classification: Likely pathogenic for NKX2.5-related congenital, conduction and myopathic heart disease. Last evaluated: 2025-08-20. Review status: criteria provided, single submitter. Criteria: ACMG Guidelines, 2015. Collection method: clinical testing. Allele origin: germline. Affected: yes.
Comment: This variant is classified as Likely pathogenic. Evidence in support of pathogenic classification: Variant is absent from gnomAD (v2, v3 and v4); This variant has moderate previous evidence of pathogenicity in unrelated individuals. This variant has been reported in the literature in individuals with dilated cardiomyopathy. Some of these DCM families were reported to have a subset of gene positive individuals with congenital heart disease (PMIDs: 23661673, 27855642, 39681577); This variant has strong evidence for segregation with disease in two families with dilated cardiomyopathy and congenital heart disease (PMIDs: 23661673, 27855642); This variant has moderate functional evidence supporting abnormal protein function. In vitro analysis in COS7 cells demonstrated this variant results in reduced DNA binding and impaired transcriptional activity compared to wildtype (PMID: 23661673); Another missense variant(s) comparable to the one identified in this case has moderate previous evidence for pathogenicity. p.(Ile184Phe) has been classified as likely pathogenic by a diagnostic laboratory in ClinVar, and identified in the literature in a family with dilated cardiomyopathy and atrial septal defect (PMID: 27855642). In addition, p.(Ile184Leu) and p.(Ile184Asn) have been classified as VUS by diagnostic laboratories in ClinVar; Missense variant predicted to be damaging by in silico tool(s) or highly conserved with a major amino acid change. Additional information: Variant is predicted to result in a missense amino acid change from isoleucine to methionine; This variant is heterozygous; This gene is associated with autosomal dominant disease; Variant is located in the annotated homeodomain (DECIPHER); Loss of function is a known mechanism of disease in this gene and is associated with NKX2.5-related congenital, conduction and myopathic heart disease (MONDO:0800441).

Literature cited by the submitters: PubMed 23661673; PubMed 39681577; PubMed 27855642.